The following is an entry in ClinVar:

NM_004260.4(RECQL4):c.365C>G (p.Ala122Gly)

Gene: RECQL4 (RecQ like helicase 4; minus strand). Cytogenetic location: 8q24.3.
Variant type: single nucleotide variant.
Coding change: c.365C>G on transcript NM_004260.4 (MANE Select); coding-DNA position 365, C replaced by G.
Protein change: p.Ala122Gly; replaces alanine 122 with glycine.
Molecular consequence: missense variant.
Genome position (GRCh38, 1-based): chr8:144,516,754, G>C on the plus strand (C>G on the coding strand, the complement: RECQL4 is on the minus strand). VCF-style: chr8-144516754-G-C. GRCh37 (hg19) VCF-style: chr8-145742138-G-C.
Other names: c.365C>G (NM_004260.3); c.365C>G, p.Ala122Gly (NM_001413017.1, NM_001413018.1, NM_001413019.1 and 4 more transcripts); c.-707C>G (NM_001413022.1, NM_001413023.1, NM_001413037.1 and 3 more transcripts); c.236C>G, p.Ala79Gly (NM_001413025.1); c.-769C>G (NM_001413027.1, NM_001413030.1, NM_001413031.1 and 1 more transcripts); c.-432C>G (NM_001413028.1); c.-611C>G (NM_001413034.1); c.-976C>G (NM_001413043.1); short protein forms A122G, A79G.
Identifiers: ClinVar variation 2146258 (VCV002146258.3), dbSNP rs761683428, ClinGen allele CA4949315.

ClinVar aggregate classification (germline): Uncertain significance. Review status: criteria provided, multiple submitters, no conflicts (2 of 4 stars). 2 submissions from 2 submitters: Uncertain significance (2). Last evaluated 2024-11-26.

Conditions:
Baller-Gerold syndrome (BGS). Also called: CRANIOSYNOSTOSIS WITH RADIAL DEFECTS. Identifiers: Orphanet 1225, MedGen C0265308, MONDO:0009039, OMIM 218600.
Inborn genetic diseases. Identifiers: MedGen C0950123, MeSH D030342.

Allele frequency attached by ClinVar (database versions not stated): TOPMed 0.00001.
gnomAD v4.1: 6 of 1,523,012 alleles (0.00039%); highest among the groups gnomAD compares: African/African-American, 0.0014%; no homozygotes.

Submissions (2):

Ambry Genetics
Classification: Uncertain significance for Inborn genetic diseases. Last evaluated: 2024-11-26. Review status: criteria provided, single submitter. Criteria: Ambry Variant Classification Scheme 2023. Collection method: clinical testing. Allele origin: germline.
Comment: The p.A122G variant (also known as c.365C>G), located in coding exon 5 of the RECQL4 gene, results from a C to G substitution at nucleotide position 365. The alanine at codon 122 is replaced by glycine, an amino acid with similar properties. This amino acid position is conserved. In addition, this alteration is predicted to be tolerated by in silico analysis. Based on the available evidence, the clinical significance of this variant remains unclear.

Labcorp Genetics (formerly Invitae), Labcorp
Classification: Uncertain significance for Baller-Gerold syndrome. Last evaluated: 2023-10-04. Review status: criteria provided, single submitter. Criteria: Invitae Variant Classification Sherloc (09022015). Collection method: clinical testing. Allele origin: germline.
Comment: This sequence change replaces alanine, which is neutral and non-polar, with glycine, which is neutral and non-polar, at codon 122 of the RECQL4 protein (p.Ala122Gly). This variant is present in population databases (rs761683428, gnomAD 0.007%). This variant has not been reported in the literature in individuals affected with RECQL4-related conditions. ClinVar contains an entry for this variant (Variation ID: 2146258). Advanced modeling of protein sequence and biophysical properties (such as structural, functional, and spatial information, amino acid conservation, physicochemical variation, residue mobility, and thermodynamic stability) performed at Invitae indicates that this missense variant is not expected to disrupt RECQL4 protein function. In summary, the available evidence is currently insufficient to determine the role of this variant in disease. Therefore, it has been classified as a Variant of Uncertain Significance.